The following is an entry in ClinVar:

ClinVar aggregate classification (germline): Benign/Likely benign. Review status: criteria provided, multiple submitters, no conflicts (2 of 4 stars). 9 submissions from 9 submitters: Benign (4); Likely benign (4). 1 of the submissions does not count toward it. Last evaluated 2026-01-31.

Conditions:
XDH-related disorder. Also called: XDH-related condition.
Xanthinuria type II. Also called: Xanthine dehydrogenase and aldehyde oxidase combined deficiency of; XDH and AOX dual deficiency. Identifiers: Orphanet 3467, Orphanet 93602, MedGen C1863688, MONDO:0011346, OMIM 603592.
Hereditary xanthinuria type 1 (XAN1). Identifiers: Orphanet 3467, Orphanet 93601, MedGen C0268118, MONDO:0010209, OMIM 278300.

Allele frequency attached by ClinVar (database versions not stated): gnomAD exomes 0.01723 and 0.01318; 1000 Genomes Project 0.00679; 1000 Genomes Project 30x 0.00796; TOPMed 0.01039; gnomAD 0.01215 and 0.01229; ESP Exome Variant Server 0.01315; ExAC 0.01410.
gnomAD v4.1: 26,866 of 1,614,192 alleles (1.7%); highest among the groups gnomAD compares: Non-Finnish European, 2%; 258 homozygotes.

Submissions (9):

Labcorp Genetics (formerly Invitae), Labcorp
Classification: Likely benign for Xanthinuria type II. Last evaluated: 2026-01-31. Review status: criteria provided, single submitter. Criteria: Invitae Variant Classification Sherloc (09022015). Collection method: clinical testing. Allele origin: germline.

Mayo Clinic Laboratories, Mayo Clinic
Classification: Benign. Last evaluated: 2025-09-07. Review status: criteria provided, single submitter. Criteria: ACMG Guidelines, 2015. Collection method: clinical testing. Allele origin: germline. Observed: 4 variant alleles.
Comment: BS1, BS2, BP5

Blueprint Genetics
Classification: Likely benign. Last evaluated: 2024-11-26. Review status: criteria provided, single submitter. Criteria: ACMG Guidelines, 2015. Collection method: clinical testing. Allele origin: germline.

Genome-Nilou Lab
Classification: Benign for Hereditary xanthinuria type 1. Last evaluated: 2021-12-05. Review status: criteria provided, single submitter. Criteria: ACMG Guidelines, 2015. Collection method: clinical testing. Allele origin: germline. Affected: no.

GeneDx
Classification: Likely benign. Last evaluated: 2020-05-03. Review status: criteria provided, single submitter. Criteria: GeneDx Variant Classification Process June 2021. Collection method: clinical testing. Allele origin: germline. Affected: yes.
Comment: This variant is associated with the following publications: (PMID: 27535533, 22981351)

Illumina Laboratory Services, Illumina
Classification: Benign for Hereditary xanthinuria type 1. Last evaluated: 2017-04-27. Review status: criteria provided, single submitter. Criteria: ICSL Variant Classification Criteria 13 December 2019. Collection method: clinical testing. Allele origin: germline.
Comment: This variant was observed as part of a predisposition screen in an ostensibly healthy population. A literature search was performed for the gene, cDNA change, and amino acid change (where applicable). Publications were found based on this search. The evidence from the literature, in combination with allele frequency data from public databases where available, was sufficient to rule this variant out of causing disease. Therefore, this variant is classified as benign.

Breakthrough Genomics
Classification: Likely benign. Review status: criteria provided, single submitter. Criteria: ACMG Guidelines, 2015. Collection method: not provided. Allele origin: germline. Inheritance: Autosomal recessive inheritance. Affected: yes.

Broad Center for Mendelian Genomics, Broad Institute of MIT and Harvard
Classification: Benign for Hereditary xanthinuria type 1. Review status: criteria provided, single submitter. Criteria: ACMG Guidelines, 2015. Collection method: research. Allele origin: germline. Inheritance: Autosomal recessive inheritance. Affected: yes.
Comment: This variant has been identified in >2% of European (Finnish) chromosomes and 15 homozygotes by ExAC. In vitro functional studies provide some evidence that the p.Arg1296Trp variant may not impact protein function (PMID: 22981351). However, these types of assays may not accurately represent biological function. In summary, this variant meets criteria to be classified as benign for autosomal recessive xanthinuria.

PreventionGenetics, part of Exact Sciences
Classification: Benign for XDH-related condition. Last evaluated: 2019-03-19. Review status: no assertion criteria provided. Collection method: clinical testing. Allele origin: germline. Not counted in ClinVar's aggregate classification.
Comment: This variant is classified as benign based on ACMG/AMP sequence variant interpretation guidelines (Richards et al. 2015 PMID: 25741868, with internal and published modifications).

Literature cited by the submitters: PubMed 22981351 (cited by Mayo Clinic Laboratories, Mayo Clinic and Illumina Laboratory Services, Illumina); PubMed 27535533 (cited by Mayo Clinic Laboratories, Mayo Clinic); PubMed 26283345 (cited by Illumina Laboratory Services, Illumina).

NM_000379.4(XDH):c.3886C>T (p.Arg1296Trp)

Gene: XDH (xanthine dehydrogenase; minus strand). Cytogenetic location: 2p23.1.
Variant type: single nucleotide variant.
Coding change: c.3886C>T on transcript NM_000379.4 (MANE Select); coding-DNA position 3886, C replaced by T.
Protein change: p.Arg1296Trp; replaces arginine 1296 with tryptophan.
Molecular consequence: missense variant.
Genome position (GRCh38, 1-based): chr2:31,337,706, G>A on the plus strand (C>T on the coding strand, the complement: XDH is on the minus strand). VCF-style: chr2-31337706-G-A. GRCh37 (hg19) VCF-style: chr2-31560572-G-A.
Other names: p.Arg1296Trp; short protein forms R1296W.
Identifiers: ClinVar variation 898500 (VCV000898500.21), dbSNP rs45564939, ClinGen allele CA1598227.